The following is an entry in ClinVar:

NM_001378328.1(CELSR1):c.2529C>T (p.Thr843=)

Gene: CELSR1 (cadherin EGF LAG seven-pass G-type receptor 1; minus strand). Cytogenetic location: 22q13.31.
Variant type: single nucleotide variant.
Coding change: c.2529C>T on transcript NM_001378328.1 (MANE Select); coding-DNA position 2529, C replaced by T.
Protein change: p.Thr843=; no amino-acid change (threonine 843 retained).
Molecular consequence: synonymous variant.
Genome position (GRCh38, 1-based): chr22:46,534,642, G>A on the plus strand (C>T on the coding strand, the complement: CELSR1 is on the minus strand). VCF-style: chr22-46534642-G-A. GRCh37 (hg19) VCF-style: chr22-46930539-G-A.
Other names: c.2529C>T, p.Thr843= (NM_014246.4).
Identifiers: ClinVar variation 3035122 (VCV003035122.2), dbSNP rs1226734807, ClinGen allele CA515099722.

ClinVar aggregate classification (germline): Likely benign (0 of 4 stars; one submission).

Conditions:
CELSR1-related disorder. Also called: CELSR1-related condition.

Allele frequency attached by ClinVar (database versions not stated): gnomAD 0.00001; gnomAD exomes 0.00001; TOPMed 0.00002.
gnomAD v4.1: 19 of 1,613,806 alleles (0.0012%); highest among the groups gnomAD compares: South Asian, 0.0033%; no homozygotes.

Submission:

PreventionGenetics, part of Exact Sciences
Classification: Likely benign for CELSR1-related condition. Last evaluated: 2019-08-12. Review status: no assertion criteria provided. Collection method: clinical testing. Allele origin: germline.
Comment: This variant is classified as likely benign based on ACMG/AMP sequence variant interpretation guidelines (Richards et al. 2015 PMID: 25741868, with internal and published modifications).